The following is an entry in ClinVar:

NM_022455.5(NSD1):c.3000C>A (p.Ser1000=)

Gene: NSD1 (nuclear receptor binding SET domain protein 1; plus strand). Cytogenetic location: 5q35.3.
Variant type: single nucleotide variant.
Coding change: c.3000C>A on transcript NM_022455.5 (MANE Select); coding-DNA position 3000, C replaced by A.
Protein change: p.Ser1000=; no amino-acid change (serine 1000 retained).
Molecular consequence: synonymous variant.
Genome position (GRCh38, 1-based): chr5:177,211,399, C>A. VCF-style: chr5-177211399-C-A. GRCh37 (hg19) VCF-style: chr5-176638400-C-A.
Other names: NC_000005.9:g.176638400C>A; c.2127C>A, p.Ser709= (NM_001365684.2, NM_001409306.1, NM_001409307.1 and 3 more transcripts); c.3000C>A, p.Ser1000= (NM_001409301.1, NM_001409302.1, NM_001409303.1); c.2580C>A, p.Ser860= (NM_001409304.1); c.2247C>A, p.Ser749= (NM_001409305.1).
Identifiers: ClinVar variation 4314438 (VCV004314438.2).

ClinVar aggregate classification (germline): Uncertain significance (1 of 4 stars; one submission).

Submissions (2):

Women's Health and Genetics/Laboratory Corporation of America, LabCorp
Classification: Uncertain significance. Last evaluated: 2025-10-07. Review status: criteria provided, single submitter. Criteria: LabCorp Variant Classification Summary - May 2015. Collection method: clinical testing. Allele origin: germline.
Comment: Variant summary: NSD1 c.3000C>A results in a synonymous change. Several computational tools predict a significant impact on normal splicing: Two predict the variant creates a 3' acceptor site. However, these predictions have yet to be confirmed by functional studies. The variant was absent in 250604 control chromosomes (gnomAD). The available data on variant occurrences in the general population are insufficient to allow any conclusion about variant significance. To our knowledge, no occurrence of c.3000C>A in individuals affected with NSD1-related conditions and no experimental evidence demonstrating its impact on protein function have been reported. No submitters have cited clinical-significance assessments for this variant to ClinVar. Based on the evidence outlined above, the variant was classified as uncertain significance.

Dr. Peter K. Rogan Lab, Western University
No classification provided (evidence only). Condition: Malignant tumor of urinary bladder. Review status: no classification provided. Collection method: in vitro. Allele origin: not applicable. Functional consequence: retained intron. Not counted in ClinVar's aggregate classification.